The following is an entry in ClinVar:

ClinVar aggregate classification (germline): Likely benign (1 of 4 stars; one submission).

Allele frequency attached by ClinVar (database versions not stated): gnomAD exomes below 0.00001; TOPMed 0.00001.
gnomAD v4.1: 1 of 1,211,255 alleles (0.000083%); highest among the groups gnomAD compares: Non-Finnish European, 0.00011%; no homozygotes.

Submission:

CeGaT Center for Human Genetics Tuebingen
Classification: Likely benign. Last evaluated: 2022-10-01. Review status: criteria provided, single submitter. Criteria: CeGaT Center For Human Genetics Tuebingen Variant Classification Criteria Version 2. Collection method: clinical testing. Allele origin: germline. Affected: yes. Observed: 1 variant allele.
Comment: ZC4H2: PM2:Supporting, BP4, BP7

NM_018684.4(ZC4H2):c.279T>C (p.Ser93=)

Gene: ZC4H2 (zinc finger C4H2-type containing; minus strand). Cytogenetic location: Xq11.2.
Variant type: single nucleotide variant.
Coding change: c.279T>C on transcript NM_018684.4 (MANE Select); coding-DNA position 279, T replaced by C.
Protein change: p.Ser93=; no amino-acid change (serine 93 retained).
Molecular consequence: synonymous variant. On other transcripts: non-coding transcript variant (1).
Genome position (GRCh38, 1-based): chrX:64,920,200, A>G on the plus strand (T>C on the coding strand, the complement: ZC4H2 is on the minus strand). VCF-style: chrX-64920200-A-G. GRCh37 (hg19) VCF-style: chrX-64140080-A-G.
Other names: c.210T>C, p.Ser70= (NM_001178032.3, NM_001243804.2); c.279T>C, p.Ser93= (NM_001178033.3).
Identifiers: ClinVar variation 2660753 (VCV002660753.24), dbSNP rs1256083426, ClinGen allele CA516907138.